The following is an entry in ClinVar:

NM_004171.4(SLC1A2):c.214C>T (p.Pro72Ser)

Gene: SLC1A2 (solute carrier family 1 member 2; minus strand). Cytogenetic location: 11p13.
Variant type: single nucleotide variant.
Coding change: c.214C>T on transcript NM_004171.4 (MANE Select); coding-DNA position 214, C replaced by T.
Protein change: p.Pro72Ser; replaces proline 72 with serine.
Molecular consequence: missense variant.
Genome position (GRCh38, 1-based): chr11:35,315,119, G>A on the plus strand (C>T on the coding strand, the complement: SLC1A2 is on the minus strand). VCF-style: chr11-35315119-G-A. GRCh37 (hg19) VCF-style: chr11-35336666-G-A.
Other names: c.187C>T, p.Pro63Ser (NM_001195728.3, NM_001252652.2); short protein forms P72S, P63S.
Identifiers: ClinVar variation 2122734 (VCV002122734.4), dbSNP rs759301527, ClinGen allele CA380130669.

ClinVar aggregate classification (germline): Uncertain significance (1 of 4 stars; one submission).

Submission:

Labcorp Genetics (formerly Invitae), Labcorp
Classification: Uncertain significance. Last evaluated: 2022-04-07. Review status: criteria provided, single submitter. Criteria: Invitae Variant Classification Sherloc (09022015). Collection method: clinical testing. Allele origin: germline.
Comment: This sequence change replaces proline, which is neutral and non-polar, with serine, which is neutral and polar, at codon 72 of the SLC1A2 protein (p.Pro72Ser). This variant is not present in population databases (gnomAD no frequency). This variant has not been reported in the literature in individuals affected with SLC1A2-related conditions. Algorithms developed to predict the effect of missense changes on protein structure and function (SIFT, PolyPhen-2, Align-GVGD) all suggest that this variant is likely to be tolerated. In summary, the available evidence is currently insufficient to determine the role of this variant in disease. Therefore, it has been classified as a Variant of Uncertain Significance.